The following is an entry in ClinVar:

ClinVar aggregate classification (germline): Uncertain significance. Review status: criteria provided, single submitter (1 of 4 stars). 2 submissions from 2 submitters: Uncertain significance (1). 1 of the submissions does not count toward it. Last evaluated 2022-07-28.

Conditions:
HIVEP2-related disorder. Also called: HIVEP2-related condition.

Allele frequency attached by ClinVar (database versions not stated): TOPMed below 0.00001.

Submissions (2):

GeneDx
Classification: Uncertain significance. Last evaluated: 2022-07-28. Review status: criteria provided, single submitter. Criteria: GeneDx Variant Classification Process June 2021. Collection method: clinical testing. Allele origin: germline. Affected: yes.
Comment: Not observed at significant frequency in large population cohorts (gnomAD); In silico analysis supports that this missense variant does not alter protein structure/function; Has not been previously published as pathogenic or benign to our knowledge

PreventionGenetics, part of Exact Sciences
Classification: Uncertain significance for HIVEP2-related condition. Last evaluated: 2024-03-06. Review status: no assertion criteria provided. Collection method: clinical testing. Allele origin: germline. Not counted in ClinVar's aggregate classification.
Comment: The HIVEP2 c.3130C>T variant is predicted to result in the amino acid substitution p.Pro1044Ser. To our knowledge, this variant has not been reported in the literature or in a large population database, indicating this variant is rare. At this time, the clinical significance of this variant is uncertain due to the absence of conclusive functional and genetic evidence.

NM_006734.4(HIVEP2):c.3130C>T (p.Pro1044Ser)

Gene: HIVEP2 (HIVEP zinc finger 2; minus strand). Cytogenetic location: 6q24.2.
Variant type: single nucleotide variant.
Coding change: c.3130C>T on transcript NM_006734.4 (MANE Select); coding-DNA position 3130, C replaced by T.
Protein change: p.Pro1044Ser; replaces proline 1044 with serine.
Molecular consequence: missense variant.
Genome position (GRCh38, 1-based): chr6:142,771,609, G>A on the plus strand (C>T on the coding strand, the complement: HIVEP2 is on the minus strand). VCF-style: chr6-142771609-G-A. GRCh37 (hg19) VCF-style: chr6-143092746-G-A.
Other names: short protein forms P1044S.
Identifiers: ClinVar variation 2412888 (VCV002412888.4), dbSNP rs1775546415, ClinGen allele CA365905311.